The following is an entry in ClinVar:

ClinVar aggregate classification (germline): Uncertain significance. Review status: criteria provided, multiple submitters, no conflicts (2 of 4 stars). 4 submissions from 4 submitters: Uncertain significance (4). Last evaluated 2025-11-18.

Conditions:
Hypogonadotropic hypogonadism 7 with or without anosmia (HH7). Also called: GNRHR-Related GnRH Deficiency; HYPOGONADOTROPIC HYPOGONADISM 7 WITHOUT ANOSMIA. Identifiers: Orphanet 432, MedGen C0342384, MONDO:0007794, OMIM 146110.
CHARGE syndrome (CHARGE). Also called: Hittner Hirsch Kreh syndrome; CHARGE ASSOCIATION--COLOBOMA, HEART ANOMALY, CHOANAL ATRESIA, RETARDATION, GENITAL AND EAR ANOMALIES; Coloboma, heart anomaly, choanal atresia, retardation, genital and ear anomalies; CHARGE association; Hall-Hittner syndrome. Identifiers: Orphanet 138, MedGen C0265354, MONDO:0008965.
SEMA3E-related disorder. Also called: SEMA3E-related condition.

Allele frequency attached by ClinVar (database versions not stated): gnomAD 0.00002; gnomAD exomes 0.00002; ExAC 0.00003; TOPMed 0.00003; ESP Exome Variant Server 0.00023.
gnomAD v4.1: 28 of 1,613,694 alleles (0.0017%); highest among the groups gnomAD compares: South Asian, 0.0044%; no homozygotes.

Submissions (4):

PreventionGenetics, part of Exact Sciences
Classification: Uncertain significance for SEMA3E-related condition. Last evaluated: 2025-11-18. Review status: criteria provided, single submitter. Criteria: ACMG Guidelines, 2015. Collection method: clinical testing. Allele origin: germline.
Comment: The SEMA3E c.659G>A variant is predicted to result in the amino acid substitution p.Arg220His. To our knowledge, this variant has not been reported in the literature. This variant is reported in 0.0040% of alleles in individuals of African descent in gnomAD. At this time, the clinical significance of this variant is uncertain due to the absence of conclusive functional and genetic evidence.

Labcorp Genetics (formerly Invitae), Labcorp
Classification: Uncertain significance for CHARGE syndrome. Last evaluated: 2025-06-19. Review status: criteria provided, single submitter. Criteria: Invitae Variant Classification Sherloc (09022015). Collection method: clinical testing. Allele origin: germline.
Comment: This sequence change replaces arginine, which is basic and polar, with histidine, which is basic and polar, at codon 220 of the SEMA3E protein (p.Arg220His). This variant is present in population databases (rs150833995, gnomAD 0.004%). This variant has not been reported in the literature in individuals affected with SEMA3E-related conditions. ClinVar contains an entry for this variant (Variation ID: 1414642). Invitae Evidence Modeling of protein sequence and biophysical properties (such as structural, functional, and spatial information, amino acid conservation, physicochemical variation, residue mobility, and thermodynamic stability) indicates that this missense variant is not expected to disrupt SEMA3E protein function with a negative predictive value of 80%. In summary, the available evidence is currently insufficient to determine the role of this variant in disease. Therefore, it has been classified as a Variant of Uncertain Significance.

Fulgent Genetics
Classification: Uncertain significance for Hypogonadotropic hypogonadism 7 with or without anosmia; CHD7-related CHARGE syndrome. Last evaluated: 2022-05-12. Review status: criteria provided, single submitter. Criteria: ACMG Guidelines, 2015. Collection method: clinical testing. Allele origin: unknown.

Ambry Genetics
Classification: Uncertain significance. Last evaluated: 2021-10-29. Review status: criteria provided, single submitter. Criteria: Ambry Variant Classification Scheme 2023. Collection method: clinical testing. Allele origin: germline.

NM_012431.3(SEMA3E):c.659G>A (p.Arg220His)

Gene: SEMA3E (semaphorin 3E; minus strand). Cytogenetic location: 7q21.11.
Variant type: single nucleotide variant.
Coding change: c.659G>A on transcript NM_012431.3 (MANE Select); coding-DNA position 659, G replaced by A.
Protein change: p.Arg220His; replaces arginine 220 with histidine.
Molecular consequence: missense variant.
Genome position (GRCh38, 1-based): chr7:83,408,379, C>T on the plus strand (G>A on the coding strand, the complement: SEMA3E is on the minus strand). VCF-style: chr7-83408379-C-T. GRCh37 (hg19) VCF-style: chr7-83037695-C-T.
Other names: c.659G>A (NM_012431.2); c.479G>A, p.Arg160His (NM_001178129.2); short protein forms R160H, R220H.
Identifiers: ClinVar variation 1414642 (VCV001414642.11), dbSNP rs150833995, ClinGen allele CA4322261.